The following is an entry in ClinVar:

NM_020975.6(RET):c.2965A>G (p.Lys989Glu)

Gene: RET (ret proto-oncogene; plus strand). Cytogenetic location: 10q11.21.
Variant type: single nucleotide variant.
Coding change: c.2965A>G on transcript NM_020975.6 (MANE Select); coding-DNA position 2965, A replaced by G.
Protein change: p.Lys989Glu; replaces lysine 989 with glutamic acid.
Molecular consequence: missense variant.
Genome position (GRCh38, 1-based): chr10:43,124,908, A>G. VCF-style: chr10-43124908-A-G. GRCh37 (hg19) VCF-style: chr10-43620356-A-G.
Other names: c.2239A>G, p.Lys747Glu (NM_001406775.1, NM_001406776.1, NM_001406777.1 and 1 more transcripts); c.2068A>G, p.Lys690Glu (NM_001406779.1, NM_001406780.1, NM_001406781.1 and 1 more transcripts); c.1939A>G, p.Lys647Glu (NM_001406783.1, NM_001406786.1); c.1975A>G, p.Lys659Glu (NM_001406784.1); c.2965A>G, p.Lys989Glu (NM_000323.2, NM_001406743.1, NM_001406744.1 and 4 more transcripts); c.2203A>G, p.Lys735Glu (NM_001355216.2); c.2836A>G, p.Lys946Glu (NM_001406761.1, NM_001406762.1, NM_001406764.1); c.2830A>G, p.Lys944Glu (NM_001406763.1, NM_001406765.1); and 10 more; short protein forms K989E, K735E, K594E, K645E, K747E, K857E, K893E, K647E.
Identifiers: ClinVar variation 477360 (VCV000477360.9), dbSNP rs1554820052, ClinGen allele CA376558081.

ClinVar aggregate classification (germline): Uncertain significance (1 of 4 stars; one submission).

Conditions:
Multiple endocrine neoplasia, type 2 (MEN2). Identifiers: Orphanet 653, MedGen C4048306, MONDO:0019003. Disease mechanism: gain of function.

Submission:

Labcorp Genetics (formerly Invitae), Labcorp
Classification: Uncertain significance for Multiple endocrine neoplasia, type 2. Last evaluated: 2017-05-11. Review status: criteria provided, single submitter. Criteria: Invitae Variant Classification Sherloc (09022015). Collection method: clinical testing. Allele origin: germline.
Comment: In summary, this variant is a novel missense change with uncertain impact on protein function. It has been classified as a Variant of Uncertain Significance. Algorithms developed to predict the effect of missense changes on protein structure and function do not agree on the potential impact of this missense change (SIFT: "Tolerated"; PolyPhen-2: "Probably Damaging"; Align-GVGD: "Class C0"). This variant is not present in population databases (ExAC no frequency) and has not been reported in the literature in individuals with a RET-related disease. This sequence change replaces lysine with glutamic acid at codon 989 of the RET protein (p.Lys989Glu). The lysine residue is highly conserved and there is a small physicochemical difference between lysine and glutamic acid.